The following is an entry in ClinVar:

ClinVar aggregate classification (germline): Uncertain significance (1 of 4 stars; one submission).

Submission:

Labcorp Genetics (formerly Invitae), Labcorp
Classification: Uncertain significance. Last evaluated: 2021-09-08. Review status: criteria provided, single submitter. Criteria: Invitae Variant Classification Sherloc (09022015). Collection method: clinical testing. Allele origin: germline.
Comment: In summary, the available evidence is currently insufficient to determine the role of this variant in disease. Therefore, it has been classified as a Variant of Uncertain Significance. Algorithms developed to predict the effect of missense changes on protein structure and function (SIFT, PolyPhen-2, Align-GVGD) all suggest that this variant is likely to be tolerated. This variant has not been reported in the literature in individuals affected with TNNI3K-related conditions. This variant is not present in population databases (ExAC no frequency). This sequence change replaces serine with threonine at codon 123 of the TNNI3K protein (p.Ser123Thr). The serine residue is moderately conserved and there is a small physicochemical difference between serine and threonine.

NM_015978.3(TNNI3K):c.368G>C (p.Ser123Thr)

Genes: FPGT-TNNI3K (FPGT-TNNI3K readthrough; plus strand), TNNI3K (TNNI3 interacting kinase; plus strand). Cytogenetic location: 1p31.1.
Variant type: single nucleotide variant.
Coding change: c.368G>C on transcript NM_015978.3 (MANE Select); coding-DNA position 368, G replaced by C.
Protein change: p.Ser123Thr; replaces serine 123 with threonine.
Molecular consequence: missense variant.
Genome position (GRCh38, 1-based): chr1:74,271,632, G>C. VCF-style: chr1-74271632-G-C. GRCh37 (hg19) VCF-style: chr1-74737316-G-C.
Other names: c.671G>C, p.Ser224Thr (NM_001112808.3, NM_001199327.2); short protein forms S224T, S123T.
Identifiers: ClinVar variation 1517963 (VCV001517963.6), dbSNP rs200103498, ClinGen allele CA340780599.